The following is an entry in ClinVar:

ClinVar aggregate classification (germline): Uncertain significance (1 of 4 stars; one submission).

Submission:

Labcorp Genetics (formerly Invitae), Labcorp
Classification: Uncertain significance. Last evaluated: 2024-10-26. Review status: criteria provided, single submitter. Criteria: Invitae Variant Classification Sherloc (09022015). Collection method: clinical testing. Allele origin: germline.
Comment: This sequence change replaces glutamic acid, which is acidic and polar, with alanine, which is neutral and non-polar, at codon 1234 of the MAGI2 protein (p.Glu1234Ala). This variant is not present in population databases (gnomAD no frequency). This variant has not been reported in the literature in individuals affected with MAGI2-related conditions. ClinVar contains an entry for this variant (Variation ID: 1361699). An algorithm developed to predict the effect of missense changes on protein structure and function (PolyPhen-2) suggests that this variant is likely to be disruptive. In summary, the available evidence is currently insufficient to determine the role of this variant in disease. Therefore, it has been classified as a Variant of Uncertain Significance.

NM_012301.4(MAGI2):c.3701A>C (p.Glu1234Ala)

Gene: MAGI2 (membrane associated guanylate kinase, WW and PDZ domain containing 2; minus strand). Cytogenetic location: 7q21.11.
Variant type: single nucleotide variant.
Coding change: c.3701A>C on transcript NM_012301.4 (MANE Select); coding-DNA position 3701, A replaced by C.
Protein change: p.Glu1234Ala; replaces glutamic acid 1234 with alanine.
Molecular consequence: missense variant.
Genome position (GRCh38, 1-based): chr7:78,078,952, T>G on the plus strand (A>C on the coding strand, the complement: MAGI2 is on the minus strand). VCF-style: chr7-78078952-T-G. GRCh37 (hg19) VCF-style: chr7-77708269-T-G.
Other names: c.3659A>C, p.Glu1220Ala (NM_001301128.2); short protein forms E1220A, E1234A.
Identifiers: ClinVar variation 1361699 (VCV001361699.8), dbSNP rs1815670926, ClinGen allele CA367849865.